The following is an entry in ClinVar:

ClinVar aggregate classification (germline): Likely benign (1 of 4 stars; one submission).

Submission:

CeGaT Center for Human Genetics Tuebingen
Classification: Likely benign. Last evaluated: 2026-09-01. Review status: criteria provided, single submitter. Criteria: CeGaT Center For Human Genetics Tuebingen Variant Classification Criteria Version 2. Collection method: clinical testing. Allele origin: germline. Affected: yes. Observed: 5 variant alleles.
Comment: ZBTB47: BS2

NM_145166.4(ZBTB47):c.973_978del (p.Gln325_Glu326del)

Gene: ZBTB47 (zinc finger and BTB domain containing 47; plus strand). Cytogenetic location: 3p22.1.
Variant type: Deletion.
Coding change: c.973_978del on transcript NM_145166.4 (MANE Select); coding-DNA positions 973 to 978, 6 bases deleted (CAGGAA; older notation c.973_978delCAGGAA).
Protein change: p.Gln325_Glu326del.
Molecular consequence: inframe deletion.
Genome position (GRCh38, 1-based): chr3:42,659,328-42,659,333, CAGGAA deleted. VCF-style (leftmost placement, unchanged base first): chr3-42659327-GCAGGAA-G. GRCh37 (hg19) VCF-style: chr3-42700819-GCAGGAA-G.
Other names: c.1057_1062del, p.Gln353_Glu354del (NM_001410746.1).
Identifiers: ClinVar variation 4822426 (VCV004822426.4).